The following is an entry in ClinVar:

NM_144687.4(NLRP12):c.3099-12T>C

Gene: NLRP12 (NLR family pyrin domain containing 12; minus strand). Cytogenetic location: 19q13.42.
Variant type: single nucleotide variant.
Coding change: c.3099-12T>C on transcript NM_144687.4 (MANE Select); 12 bases into the intron before coding-DNA position 3099, T replaced by C.
Molecular consequence: intron variant.
Genome position (GRCh38, 1-based): chr19:53,794,148, A>G on the plus strand (T>C on the coding strand, the complement: NLRP12 is on the minus strand). VCF-style: chr19-53794148-A-G. GRCh37 (hg19) VCF-style: chr19-54297402-A-G.
Other names: c.2928-12T>C (NM_001277129.1); c.3102-12T>C (NM_001277126.2).
Identifiers: ClinVar variation 3657674 (VCV003657674.2).

ClinVar aggregate classification (germline): Uncertain significance (1 of 4 stars; one submission).

Conditions:
Familial cold autoinflammatory syndrome 2 (FCAS2). Identifiers: Orphanet 247868, MedGen C2673198, MONDO:0012724, OMIM 611762.

Submission:

Labcorp Genetics (formerly Invitae), Labcorp
Classification: Uncertain significance for Familial cold autoinflammatory syndrome 2. Last evaluated: 2024-06-25. Review status: criteria provided, single submitter. Criteria: Invitae Variant Classification Sherloc (09022015). Collection method: clinical testing. Allele origin: germline.
Comment: This sequence change falls in intron 9 of the NLRP12 gene. It does not directly change the encoded amino acid sequence of the NLRP12 protein. This variant is not present in population databases (gnomAD no frequency). This variant has not been reported in the literature in individuals affected with NLRP12-related conditions. Algorithms developed to predict the effect of sequence changes on RNA splicing suggest that this variant may disrupt the consensus splice site. In summary, the available evidence is currently insufficient to determine the role of this variant in disease. Therefore, it has been classified as a Variant of Uncertain Significance.